The following is an entry in ClinVar:

ClinVar aggregate classification (germline): Uncertain significance (1 of 4 stars; one submission).

Submission:

GeneDx
Classification: Uncertain significance. Last evaluated: 2025-04-28. Review status: criteria provided, single submitter. Criteria: GeneDx Variant Classification Process June 2021. Collection method: clinical testing. Allele origin: germline.
Comment: Not observed at significant frequency in large population cohorts (gnomAD); In silico analysis supports that this missense variant has a deleterious effect on protein structure/function; Has not been previously published as pathogenic or benign to our knowledge

NM_170606.3(KMT2C):c.5884C>A (p.Pro1962Thr)

Gene: KMT2C (lysine methyltransferase 2C; minus strand). Cytogenetic location: 7q36.1.
Variant type: single nucleotide variant.
Coding change: c.5884C>A on transcript NM_170606.3 (MANE Select); coding-DNA position 5884, C replaced by A.
Protein change: p.Pro1962Thr; replaces proline 1962 with threonine.
Molecular consequence: missense variant.
Genome position (GRCh38, 1-based): chr7:152,181,976, G>T on the plus strand (C>A on the coding strand, the complement: KMT2C is on the minus strand). VCF-style: chr7-152181976-G-T. GRCh37 (hg19) VCF-style: chr7-151879061-G-T.
Other names: short protein forms P1962T.
Identifiers: ClinVar variation 3767546 (VCV003767546.2).